The following is an entry in ClinVar:

ClinVar aggregate classification (germline): Likely benign. Review status: criteria provided, multiple submitters, no conflicts (2 of 4 stars). 3 submissions from 3 submitters: Likely benign (2). 1 of the submissions does not count toward it. Last evaluated 2026-01-26.

Conditions:
POLG-related disorder. Also called: POLG-Related Spectrum Disorders; POLG-related condition; POLG-Related Disorders. Identifiers: MedGen C4763519.
Progressive sclerosing poliodystrophy (MTDPS4A). Also called: ALPERS PROGRESSIVE INFANTILE POLIODYSTROPHY; NEURONAL DEGENERATION OF CHILDHOOD WITH LIVER DISEASE, PROGRESSIVE; Mitochondrial DNA depletion syndrome 4A (Alpers type); Alpers Syndrome; ALPERS DIFFUSE DEGENERATION OF CEREBRAL GRAY MATTER WITH HEPATIC CIRRHOSIS; Alpers-Huttenlocher Syndrome. Identifiers: Orphanet 726, MedGen C0205710, MONDO:0008758, OMIM 203700.

Allele frequency attached by ClinVar (database versions not stated): gnomAD exomes 0.00006; TOPMed 0.00009; gnomAD 0.00016.

Submissions (3):

Labcorp Genetics (formerly Invitae), Labcorp
Classification: Likely benign for Progressive sclerosing poliodystrophy. Last evaluated: 2026-01-26. Review status: criteria provided, single submitter. Criteria: Invitae Variant Classification Sherloc (09022015). Collection method: clinical testing. Allele origin: germline.

Mayo Clinic Laboratories, Mayo Clinic
Classification: Likely benign. Last evaluated: 2025-02-14. Review status: criteria provided, single submitter. Criteria: ACMG Guidelines, 2015. Collection method: clinical testing. Allele origin: germline. Observed: 1 variant allele.
Comment: BP4, BP7

PreventionGenetics, part of Exact Sciences
Classification: Likely benign for POLG-related condition. Last evaluated: 2021-06-03. Review status: no assertion criteria provided. Collection method: clinical testing. Allele origin: germline. Not counted in ClinVar's aggregate classification.
Comment: This variant is classified as likely benign based on ACMG/AMP sequence variant interpretation guidelines (Richards et al. 2015 PMID: 25741868, with internal and published modifications).

NM_002693.3(POLG):c.2266-8C>T

Gene: POLG (DNA polymerase gamma, catalytic subunit; minus strand). Cytogenetic location: 15q26.1.
Variant type: single nucleotide variant.
Coding change: c.2266-8C>T on transcript NM_002693.3 (MANE Select); 8 bases into the intron before coding-DNA position 2266, C replaced by T.
Molecular consequence: intron variant.
Genome position (GRCh38, 1-based): chr15:89,322,910, G>A on the plus strand (C>T on the coding strand, the complement: POLG is on the minus strand). VCF-style: chr15-89322910-G-A. GRCh37 (hg19) VCF-style: chr15-89866141-G-A.
Other names: p.?; c.2266-8C>T (NM_002693.2, NM_001126131.2).
Identifiers: ClinVar variation 1143945 (VCV001143945.11), dbSNP rs1203561072, ClinGen allele CA619857657.